The following is an entry in ClinVar:

NM_003356.4(UCP3):c.155C>T (p.Thr52Met)

Gene: UCP3 (uncoupling protein 3; minus strand). Cytogenetic location: 11q13.4.
Variant type: single nucleotide variant.
Coding change: c.155C>T on transcript NM_003356.4 (MANE Select); coding-DNA position 155, C replaced by T.
Protein change: p.Thr52Met; replaces threonine 52 with methionine.
Molecular consequence: missense variant.
Genome position (GRCh38, 1-based): chr11:74,006,351, G>A on the plus strand (C>T on the coding strand, the complement: UCP3 is on the minus strand). VCF-style: chr11-74006351-G-A. GRCh37 (hg19) VCF-style: chr11-73717396-G-A.
Other names: c.155C>T, p.Thr52Met (NM_022803.3); short protein forms T52M.
Identifiers: ClinVar variation 1336088 (VCV001336088.10), dbSNP rs17848367, ClinGen allele CA6181612.

ClinVar aggregate classification (germline): Benign/Likely benign. Review status: criteria provided, multiple submitters, no conflicts (2 of 4 stars). 3 submissions from 3 submitters: Benign (1); Likely benign (1). 1 of the submissions does not count toward it. Last evaluated 2026-01-06.

Conditions:
UCP3-related disorder. Also called: UCP3-related condition.

Allele frequency attached by ClinVar (database versions not stated): gnomAD exomes 0.00016 and 0.00038; ExAC 0.00051; gnomAD 0.00079 and 0.00081; ESP Exome Variant Server 0.00092; TOPMed 0.00094; 1000 Genomes Project 30x 0.00109; 1000 Genomes Project 0.00120.
gnomAD v4.1: 361 of 1,584,260 alleles (0.023%); highest among the groups gnomAD compares: African/African-American, 0.23%; no homozygotes.

Submissions (3):

Labcorp Genetics (formerly Invitae), Labcorp
Classification: Likely benign. Last evaluated: 2026-01-06. Review status: criteria provided, single submitter. Criteria: Invitae Variant Classification Sherloc (09022015). Collection method: clinical testing. Allele origin: germline.

Genetic Services Laboratory, University of Chicago
Classification: Benign. Last evaluated: 2021-03-31. Review status: criteria provided, single submitter. Criteria: ACMG Guidelines, 2015. Collection method: clinical testing. Allele origin: germline. Affected: no.

PreventionGenetics, part of Exact Sciences
Classification: Likely benign for UCP3-related condition. Last evaluated: 2022-02-03. Review status: no assertion criteria provided. Collection method: clinical testing. Allele origin: germline. Not counted in ClinVar's aggregate classification.
Comment: This variant is classified as likely benign based on ACMG/AMP sequence variant interpretation guidelines (Richards et al. 2015 PMID: 25741868, with internal and published modifications).